The following is an entry in ClinVar:

NM_000535.7(PMS2):c.1454C>A (p.Thr485Lys)

Gene: PMS2 (PMS1 homolog 2, mismatch repair system component; minus strand). Cytogenetic location: 7p22.1.
Variant type: single nucleotide variant.
Coding change: c.1454C>A on transcript NM_000535.7 (MANE Select); coding-DNA position 1454, C replaced by A.
Protein change: p.Thr485Lys; replaces threonine 485 with lysine.
Molecular consequence: missense variant. On other transcripts: non-coding transcript variant (1).
Genome position (GRCh38, 1-based): chr7:5,987,311, G>T on the plus strand (C>A on the coding strand, the complement: PMS2 is on the minus strand). VCF-style: chr7-5987311-G-T. GRCh37 (hg19) VCF-style: chr7-6026942-G-T.
Other names: c.1049C>A, p.Thr350Lys (NM_001322003.2, NM_001322004.2, NM_001322005.2 and 1 more transcripts); c.1298C>A, p.Thr433Lys (NM_001322006.2); c.1136C>A, p.Thr379Lys (NM_001322007.2, NM_001322008.2); c.893C>A, p.Thr298Lys (NM_001322010.2); c.521C>A, p.Thr174Lys (NM_001322011.2, NM_001322012.2); c.881C>A, p.Thr294Lys (NM_001322013.2); c.1454C>A, p.Thr485Lys (NM_001322014.2); c.1145C>A, p.Thr382Lys (NM_001322015.2); short protein forms T485K, T294K, T298K, T433K, T174K, T350K, T379K, T382K.
Identifiers: ClinVar variation 41702 (VCV000041702.55), dbSNP rs1805323, ClinGen allele CA009697.

ClinVar aggregate classification (germline): Benign. Review status: reviewed by expert panel (3 of 4 stars). 24 submissions from 24 submitters: Benign (1). 23 of the submissions do not count toward it. Last evaluated 2013-09-05.

Conditions:
Hereditary nonpolyposis colorectal neoplasms. Identifiers: MedGen C0009405, MeSH D003123.
Hereditary cancer-predisposing syndrome. Also called: Tumor predisposition; Neoplastic Syndromes, Hereditary; Hereditary neoplastic syndrome; Hereditary Cancer Syndrome. Identifiers: Orphanet 140162, MedGen C0027672, MeSH D009386, MONDO:0015356.
Lynch syndrome. Identifiers: Orphanet 144, MedGen C4552100, MONDO:0005835. Disease mechanism: loss of function.
Lynch syndrome 4 (LYNCH4). Also called: Colorectal cancer, hereditary nonpolyposis, type 4; Hereditary non-polyposis colorectal cancer, type 4. Identifiers: Orphanet 144, MedGen C1838333, MONDO:0013699, OMIM 614337. Disease mechanism: loss of function.
Endometrial carcinoma. Also called: Endometrial carcinoma, somatic. Identifiers: MedGen C0476089, MONDO:0002447, OMIM 608089, HP:0012114.

Allele frequency attached by ClinVar (database versions not stated): TOPMed 0.04446; gnomAD 0.05742; 1000 Genomes Project 30x 0.10509; 1000 Genomes Project 0.11202; ESP Exome Variant Server 0.03352.
gnomAD v4.1: 91,930 of 1,614,064 alleles (5.7%); highest among the groups gnomAD compares: East Asian, 37%; 5,854 homozygotes.

Submissions (24):

International Society for Gastrointestinal Hereditary Tumours (InSiGHT)
Classification: Benign for Lynch Syndrome. Last evaluated: 2013-09-05. Review status: reviewed by expert panel. Criteria: Guidelines v1.9. Collection method: research. Allele origin: germline.
Comment: MAF >1%

Classified with v1.9 guidelines
ClinVar note: Converted during submission from no known pathogenicity to Benign.

Labcorp Genetics (formerly Invitae), Labcorp
Classification: Benign for Hereditary nonpolyposis colorectal neoplasms. Last evaluated: 2026-02-04. Review status: criteria provided, single submitter. Criteria: Invitae Variant Classification Sherloc (09022015). Collection method: clinical testing. Allele origin: germline. Not counted in ClinVar's aggregate classification.

ARUP Laboratories, Molecular Genetics and Genomics, ARUP Laboratories
Classification: Benign. Last evaluated: 2025-07-30. Review status: criteria provided, single submitter. Criteria: ARUP Molecular Germline Variant Investigation Process 2024. Collection method: clinical testing. Allele origin: germline. Not counted in ClinVar's aggregate classification.

GeneKor MSA
Classification: Benign for Lynch syndrome. Last evaluated: 2025-07-10. Review status: criteria provided, single submitter. Criteria: ACMG Guidelines, 2015. Collection method: clinical testing. Allele origin: germline. Not counted in ClinVar's aggregate classification.

Blueprint Genetics
Classification: Likely benign. Last evaluated: 2024-11-27. Review status: criteria provided, single submitter. Criteria: ACMG Guidelines, 2015. Collection method: clinical testing. Allele origin: germline. Not counted in ClinVar's aggregate classification.

All of Us Research Program, National Institutes of Health
Classification: Benign for Lynch syndrome. Last evaluated: 2024-10-01. Review status: criteria provided, single submitter. Criteria: ACMG Guidelines, 2015. Collection method: clinical testing. Allele origin: germline. Inheritance: Autosomal dominant inheritance. Observed: 13,805 variant alleles, 13,020 heterozygotes, 783 homozygotes, 2 hemizygotes. Not counted in ClinVar's aggregate classification.
Comment: This study involves interpretation of variants in research participants for the purpose of population health screening. Participant phenotype was not available at the time of variant classification. Additional details can be found in publication PMID: 35346344, PMCID: PMC8962531

KCCC/NGS Laboratory, Kuwait Cancer Control Center
Classification: Benign for Lynch syndrome 4. Last evaluated: 2023-07-07. Review status: criteria provided, single submitter. Criteria: ACMG Guidelines, 2015. Collection method: clinical testing. Allele origin: germline. Affected: yes. Not counted in ClinVar's aggregate classification.

Myriad Genetics, Inc.
Classification: Benign for Lynch syndrome 4. Last evaluated: 2023-05-11. Review status: criteria provided, single submitter. Criteria: Myriad Autosomal Dominant, Autosomal Recessive and X-Linked Classification Criteria (2023). Collection method: clinical testing. Allele origin: unknown. Not counted in ClinVar's aggregate classification.
Comment: This variant is considered benign. This variant has been observed at a population frequency that is significantly greater than expected given the associated disease prevalence and penetrance.

Sema4
Classification: Benign for Hereditary cancer-predisposing syndrome. Last evaluated: 2020-01-30. Review status: criteria provided, single submitter. Criteria: Sema4 Curation Guidelines. Collection method: curation. Allele origin: germline. Not counted in ClinVar's aggregate classification.

Eurofins Ntd Llc (ga)
Classification: Benign. Last evaluated: 2018-03-21. Review status: criteria provided, single submitter. Criteria: EGL ClinVar v180209 classification definitions. Collection method: clinical testing. Allele origin: germline. Observed: 14 variant alleles, 12 heterozygotes, 2 homozygotes. Not counted in ClinVar's aggregate classification.

Illumina Laboratory Services, Illumina
Classification: Benign for Lynch syndrome 4. Last evaluated: 2018-01-12. Review status: criteria provided, single submitter. Criteria: ICSL Variant Classification Criteria 13 December 2019. Collection method: clinical testing. Allele origin: germline. Not counted in ClinVar's aggregate classification.
Comment: This variant was observed in the ICSL laboratory as part of a predisposition screen in an ostensibly healthy population. It had not been previously curated by ICSL or reported in the Human Gene Mutation Database (HGMD: prior to June 1st, 2018), and was therefore a candidate for classification through an automated scoring system. Utilizing variant allele frequency, disease prevalence and penetrance estimates, and inheritance mode, an automated score was calculated to assess if this variant is too frequent to cause the disease. Based on the score and internal cut-off values, a variant classified as benign is not then subjected to further curation. The score for this variant resulted in a classification of benign for this disease.

Clinical Genetics DNA and cytogenetics Diagnostics Lab, Erasmus MC, Erasmus Medical Center
Classification: Benign for Lynch syndrome 4. Last evaluated: 2017-05-31. Review status: criteria provided, single submitter. Criteria: ACGS Guidelines, 2013. Collection method: clinical testing. Allele origin: germline. Affected: yes. Study: VKGL Data-share Consensus. Not counted in ClinVar's aggregate classification.

Laboratory for Molecular Medicine, Mass General Brigham Personalized Medicine
Classification: Benign. Last evaluated: 2017-04-20. Review status: criteria provided, single submitter. Criteria: LMM Criteria. Collection method: clinical testing. Allele origin: germline. Observed: 3 variant alleles. Not counted in ClinVar's aggregate classification.
Comment: p.Thr485Lys in exon 11 of PMS2: This variant is not expected to have clinical si gnificance because it has been identified in 35% (3077/8632) of East Asian chrom osomes by the Exome Aggregation Consortium (ExAC ; dbSNP rs1805323).

GeneDx
Classification: Benign. Last evaluated: 2015-03-03. Review status: criteria provided, single submitter. Criteria: GeneDx Variant Classification Process June 2021. Collection method: clinical testing. Allele origin: germline. Affected: yes. Not counted in ClinVar's aggregate classification.
Comment: This variant is associated with the following publications: (PMID: 28932927, 28347324, 24728327)

Color Diagnostics, LLC DBA Color Health
Classification: Benign for Hereditary cancer-predisposing syndrome. Last evaluated: 2014-11-04. Review status: criteria provided, single submitter. Criteria: ACMG Guidelines, 2015. Collection method: clinical testing. Allele origin: germline. Not counted in ClinVar's aggregate classification.

Ambry Genetics
Classification: Benign for Hereditary cancer-predisposing syndrome. Last evaluated: 2014-07-31. Review status: criteria provided, single submitter. Criteria: Ambry Variant Classification Scheme 2023. Collection method: clinical testing. Allele origin: germline. Not counted in ClinVar's aggregate classification.

PreventionGenetics, part of Exact Sciences
Classification: Benign. Review status: criteria provided, single submitter. Criteria: ACMG Guidelines, 2015. Collection method: clinical testing. Allele origin: germline. Not counted in ClinVar's aggregate classification.

Counsyl
Classification: Benign for Lynch syndrome 4. Last evaluated: 2017-07-07. Review status: no assertion criteria provided. Collection method: clinical testing. Allele origin: unknown. Not counted in ClinVar's aggregate classification.

ITMI
No classification provided. Condition: AllHighlyPenetrant. Last evaluated: 2013-09-19. Review status: no classification provided. Collection method: reference population. Allele origin: germline. Not counted in ClinVar's aggregate classification.
Comment: Please see associated publication for description of ethnicities

Biesecker Lab/Clinical Genomics Section, National Institutes of Health
Classification: Benign. Last evaluated: 2012-07-13. Review status: no assertion criteria provided. Collection method: research. Allele origin: germline. Affected: no. Observed: 61 variant alleles. Study: ClinSeq. Not counted in ClinVar's aggregate classification.
ClinVar note: Converted during submission from no known pathogenicity to Benign.

Clinical Genetics Laboratory, Department of Pathology, Netherlands Cancer Institute
Classification: Benign. Review status: no assertion criteria provided. Collection method: clinical testing. Allele origin: germline. Affected: yes. Study: VKGL Data-share Consensus. Not counted in ClinVar's aggregate classification.

Clinical Genetics, Academic Medical Center
Classification: Benign. Review status: no assertion criteria provided. Collection method: clinical testing. Allele origin: germline. Affected: yes. Study: VKGL Data-share Consensus. Not counted in ClinVar's aggregate classification.

Department of Pathology and Laboratory Medicine, Sinai Health System
Classification: Benign for Endometrial carcinoma. Review status: no assertion criteria provided. Collection method: clinical testing. Allele origin: unknown. Affected: yes. Study: The Canadian Open Genetics Repository (COGR). Not counted in ClinVar's aggregate classification.
Comment: PMS2, EXON11, c.1454C>A, p. Thr485Lys, Benign (ACMG 5) The c.1454C>A variant was identified in 7 of 338 chromosomes (frequency: 0.021) from individuals or families with HNPCC and Lynch Syndrome exhibiting cafâˆšÂ©-au-lait spots and cancer. (14756672_Thompson_2004, 15256438_Nakagawa_2004, 16472587_Hendriks_2006, 16619239_Clenndening_2006, 17993636_Gururangan_2008, 24027009_Drost_2013) The variant was also identified in dbSNP (ID: rs1805323 ) â€šÃ„ÃºWith benign alleleâ€šÃ„Ã¹, with a minor allele frequency of 0.112(1000 Genomes Project) HGMD, COSMIC, â€šÃ„ÃºMismatch Repair Genes Variant Databaseâ€šÃ„Ã¹, â€šÃ„ÃºInSiGHT Colon Cancer Databaseâ€šÃ„Ã¹, ClinVar database as a benign variant by the Sharing Clinical Reports Project (SCRP) (submitted within the ClinVar database and derived from Myriad reports). The variant was classified as â€šÃ„Ãºunclassifiedâ€šÃ„Ã¹ by a clinical laboratory within the Canadian Open Genetics Repository. This variant was identified in the 1000 Genomes Project in 247 of 2178 chromosomes (frequency: 0.113), and in Exome Variant Server project in 350 of 8600 (frequency: 0.041) European American and in 86 of 4406 (frequency: 0.019) African American alleles, increasing the likelihood that this is/may be a low frequency benign variant in certain populations of origin. This variant was identified in the Exome Aggregation Consortium database to have an allele frequency of 0.079. The p.Thr485Lys variant is not expected to have clinical significance because it is not located in a known consensus splice site. In addition, in silico or computational prediction software programs (SpliceSiteFinder, MaxEntScan, NNSPLICE, GeneSplicer, HumanSpliceFinder) do not predict a difference in splicing. The p.Thr485 residue is not conserved in mammals and the variant amino acid Threonine (Thr) is present in Macaques, increasing the likelihood that this variant does not have clinical significance. In summary, based on the above information, this variant meets our laboratory's criteria to be classified as benign.

Mayo Clinic Laboratories, Mayo Clinic
Classification: Benign. Review status: no assertion criteria provided. Collection method: clinical testing. Allele origin: unknown. Not counted in ClinVar's aggregate classification.

Literature cited by the submitters: PubMed 16472587 (cited by Counsyl); PubMed 24027009 (cited by Counsyl); PubMed 23709753 (cited by Counsyl); PubMed 16619239 (cited by Counsyl); PubMed 20176959 (cited by Counsyl); PubMed 18768816 (cited by Counsyl); PubMed 24728327 (cited by ITMI).